The following is an entry in ClinVar:

NM_001382391.1(CSPP1):c.2218T>C (p.Tyr740His)

Gene: CSPP1 (centrosome and spindle pole associated protein 1; plus strand). Cytogenetic location: 8q13.2.
Variant type: single nucleotide variant.
Coding change: c.2218T>C on transcript NM_001382391.1 (MANE Select); coding-DNA position 2218, T replaced by C.
Protein change: p.Tyr740His; replaces tyrosine 740 with histidine.
Molecular consequence: missense variant.
Genome position (GRCh38, 1-based): chr8:67,154,113, T>C. VCF-style: chr8-67154113-T-C. GRCh37 (hg19) VCF-style: chr8-68066348-T-C.
Other names: c.1168T>C, p.Tyr390His (NM_001291339.2); c.2137T>C, p.Tyr713His (NM_001363131.2); c.2023T>C, p.Tyr675His (NM_001363132.2); c.1942T>C, p.Tyr648His (NM_001363133.2); c.2284T>C, p.Tyr762His (NM_001364869.1); c.2104T>C, p.Tyr702His (NM_001364870.1); c.2203T>C, p.Tyr735His (NM_024790.7); short protein forms Y675H, Y713H, Y762H, Y390H, Y702H, Y740H, Y648H, Y735H.
Identifiers: ClinVar variation 2732175 (VCV002732175.3), dbSNP rs2489535661, ClinGen allele CA371188028.
Genomic context (GRCh38, chr8:67,154,113, plus strand): 5'-GCTCGGGGAAATGTATTTGGTGAGCCTCCAACTGAACTTCAGATTAAACAGCAAGAATTA[T>C]ACAAGAATTTTCTTCGTTTCCAGGTGAAATGCTATTTGATCAGTTTCAAAGTTTCATGAG-3'
Protein context (NP_001369320.1, residues 730-750): TELQIKQQEL[Tyr740His]KNFLRFQIEE

ClinVar aggregate classification (germline): Uncertain significance (1 of 4 stars; one submission).

Conditions:
Joubert syndrome 21 (JBTS21). Identifiers: MedGen C3810212, MONDO:0014288, OMIM 615636.

Allele frequency attached by ClinVar (database versions not stated): gnomAD exomes below 0.00001.
gnomAD v4.1: 1 of 1,561,866 alleles (0.000064%); no homozygotes.

Submission:

Labcorp Genetics (formerly Invitae), Labcorp
Classification: Uncertain significance for Joubert syndrome 21. Last evaluated: 2023-11-19. Review status: criteria provided, single submitter. Criteria: Invitae Variant Classification Sherloc (09022015). Collection method: clinical testing. Allele origin: germline.
Comment: This sequence change replaces tyrosine, which is neutral and polar, with histidine, which is basic and polar, at codon 735 of the CSPP1 protein (p.Tyr735His). This variant is not present in population databases (gnomAD no frequency). This variant has not been reported in the literature in individuals affected with CSPP1-related conditions. An algorithm developed to predict the effect of missense changes on protein structure and function (PolyPhen-2) suggests that this variant is likely to be disruptive. In summary, the available evidence is currently insufficient to determine the role of this variant in disease. Therefore, it has been classified as a Variant of Uncertain Significance.